The following is an entry in ClinVar:

NM_017563.5(IL17RD):c.68T>G (p.Leu23Arg)

Genes: IL17RD (interleukin 17 receptor D; minus strand), LOC129936924 (ATAC-STARR-seq lymphoblastoid silent region 14478; plus strand). Cytogenetic location: 3p14.3.
Variant type: single nucleotide variant.
Coding change: c.68T>G on transcript NM_017563.5 (MANE Select); coding-DNA position 68, T replaced by G.
Protein change: p.Leu23Arg; replaces leucine 23 with arginine.
Molecular consequence: missense variant. On other transcripts: intron variant (1).
Genome position (GRCh38, 1-based): chr3:57,165,219, A>C on the plus strand (T>G on the coding strand, the complement: IL17RD is on the minus strand). VCF-style: chr3-57165219-A-C. GRCh37 (hg19) VCF-style: chr3-57199247-A-C.
Other names: c.68T>G, p.Leu23Arg (NM_001080973.1); c.-307+4013T>G (NM_001318864.2); short protein forms L23R.
Identifiers: ClinVar variation 1926120 (VCV001926120.6), dbSNP rs948312065, ClinGen allele CA75375276.

ClinVar aggregate classification (germline): Uncertain significance. Review status: criteria provided, multiple submitters, no conflicts (2 of 4 stars). 2 submissions from 2 submitters: Uncertain significance (2). Last evaluated 2025-02-03.

Allele frequency attached by ClinVar (database versions not stated): gnomAD 0.00003; gnomAD exomes 0.00003; TOPMed 0.00003.
gnomAD v4.1: 47 of 1,531,326 alleles (0.0031%); highest among the groups gnomAD compares: Middle Eastern, 0.017%; no homozygotes.

Submissions (2):

Women's Health and Genetics/Laboratory Corporation of America, LabCorp
Classification: Uncertain significance. Last evaluated: 2025-02-03. Review status: criteria provided, single submitter. Criteria: LabCorp Variant Classification Summary - May 2015. Collection method: clinical testing. Allele origin: germline.
Comment: Variant summary: IL17RD c.68T>G (p.Leu23Arg) results in a non-conservative amino acid change in the encoded protein sequence. Three of five in-silico tools predict a benign effect of the variant on protein function. The variant allele was found at a frequency of 4.9e-05 in 122338 control chromosomes. The available data on variant occurrences in the general population are insufficient to allow any conclusion about variant significance. c.68T>G has been reported in the literature in an individual affected with Hypogonadotropic Hypogonadism 18 With Or Without Anosmia (Federici_2022). These data do not allow any conclusion about variant significance. To our knowledge, no experimental evidence demonstrating an impact on protein function has been reported. The following publication have been ascertained in the context of this evaluation (PMID: 36531499). ClinVar contains an entry for this variant (Variation ID: 1926120). Based on the evidence outlined above, the variant was classified as uncertain significance.

Labcorp Genetics (formerly Invitae), Labcorp
Classification: Uncertain significance. Last evaluated: 2022-04-06. Review status: criteria provided, single submitter. Criteria: Invitae Variant Classification Sherloc (09022015). Collection method: clinical testing. Allele origin: germline.
Comment: In summary, the available evidence is currently insufficient to determine the role of this variant in disease. Therefore, it has been classified as a Variant of Uncertain Significance. Algorithms developed to predict the effect of missense changes on protein structure and function are either unavailable or do not agree on the potential impact of this missense change (SIFT: "Not Available"; PolyPhen-2: "Possibly Damaging"; Align-GVGD: "Not Available"). This variant has not been reported in the literature in individuals affected with IL17RD-related conditions. This variant is present in population databases (no rsID available, gnomAD 0.007%). This sequence change replaces leucine, which is neutral and non-polar, with arginine, which is basic and polar, at codon 23 of the IL17RD protein (p.Leu23Arg).

Literature cited by the submitters: PubMed 36531499 (cited by Women's Health and Genetics/Laboratory Corporation of America, LabCorp).